The following is an entry in ClinVar:

NM_004168.4(SDHA):c.737G>A (p.Arg246His)

Gene: SDHA (succinate dehydrogenase complex flavoprotein subunit A; plus strand). Cytogenetic location: 5p15.33.
Variant type: single nucleotide variant.
Coding change: c.737G>A on transcript NM_004168.4 (MANE Select); coding-DNA position 737, G replaced by A.
Protein change: p.Arg246His; replaces arginine 246 with histidine.
Molecular consequence: missense variant.
Genome position (GRCh38, 1-based): chr5:228,300, G>A. VCF-style: chr5-228300-G-A. GRCh37 (hg19) VCF-style: chr5-228415-G-A.
Other names: c.593G>A, p.Arg198His (NM_001294332.2); c.737G>A, p.Arg246His (NM_001330758.2); short protein forms R198H, R246H.
Identifiers: ClinVar variation 851117 (VCV000851117.13), dbSNP rs745309710, ClinGen allele CA3172956.

ClinVar aggregate classification (germline): Uncertain significance. Review status: criteria provided, multiple submitters, no conflicts (2 of 4 stars). 3 submissions from 3 submitters: Uncertain significance (3). Last evaluated 2025-11-25.

Conditions:
Mitochondrial complex II deficiency, nuclear type 1. Also called: SUCCINATE CoQ REDUCTASE DEFICIENCY. Identifiers: Orphanet 3208, MedGen C5700310, MONDO:0100294, OMIM 252011.
Pheochromocytoma/paraganglioma syndrome 5. Also called: Paragangliomas 5; SDHA-Related Hereditary Paraganglioma-Pheochromocytoma Syndrome. Identifiers: Orphanet 29072, MedGen C3279992, MONDO:0013602, OMIM 614165.
Hereditary cancer-predisposing syndrome. Also called: Neoplastic Syndromes, Hereditary; Hereditary neoplastic syndrome; Tumor predisposition; Hereditary Cancer Syndrome. Identifiers: Orphanet 140162, MedGen C0027672, MeSH D009386, MONDO:0015356.
Dilated cardiomyopathy 1GG (CMD1GG). Identifiers: Orphanet 154, MedGen C3150898, MONDO:0013339, OMIM 613642.

Allele frequency attached by ClinVar (database versions not stated): gnomAD exomes below 0.00001 and 0.00001; ExAC 0.00001.

Submissions (3):

Labcorp Genetics (formerly Invitae), Labcorp
Classification: Uncertain significance for Pheochromocytoma/paraganglioma syndrome 5; Mitochondrial complex II deficiency, nuclear type 1. Last evaluated: 2025-11-25. Review status: criteria provided, single submitter. Criteria: Invitae Variant Classification Sherloc (09022015). Collection method: clinical testing. Allele origin: germline.
Comment: This sequence change replaces arginine, which is basic and polar, with histidine, which is basic and polar, at codon 246 of the SDHA protein (p.Arg246His). This variant is present in population databases (rs745309710, gnomAD 0.006%). This variant has not been reported in the literature in individuals affected with SDHA-related conditions. ClinVar contains an entry for this variant (Variation ID: 851117). Invitae Evidence Modeling of protein sequence and biophysical properties (such as structural, functional, and spatial information, amino acid conservation, physicochemical variation, residue mobility, and thermodynamic stability) has been performed for this missense variant. However, the output from this modeling did not meet the statistical confidence thresholds required to predict the impact of this variant on SDHA protein function. In summary, the available evidence is currently insufficient to determine the role of this variant in disease. Therefore, it has been classified as a Variant of Uncertain Significance.

Ambry Genetics
Classification: Uncertain significance for Hereditary cancer-predisposing syndrome. Last evaluated: 2025-09-06. Review status: criteria provided, single submitter. Criteria: Ambry Variant Classification Scheme 2023. Collection method: clinical testing. Allele origin: germline.
Comment: The p.R246H variant (also known as c.737G>A), located in coding exon 6 of the SDHA gene, results from a G to A substitution at nucleotide position 737. The arginine at codon 246 is replaced by histidine, an amino acid with highly similar properties. This amino acid position is highly conserved in available vertebrate species. In addition, this alteration is predicted to be deleterious by in silico analysis. Since supporting evidence is limited at this time, the clinical significance of this alteration remains unclear.

Baylor Genetics
Classification: Uncertain significance for Dilated cardiomyopathy 1GG. Last evaluated: 2023-10-26. Review status: criteria provided, single submitter. Criteria: ACMG Guidelines, 2015. Collection method: clinical testing. Allele origin: unknown.